The following is an entry in ClinVar:

ClinVar aggregate classification (germline): Likely benign. Review status: criteria provided, multiple submitters, no conflicts (2 of 4 stars). 5 submissions from 5 submitters: Likely benign (4). 1 of the submissions does not count toward it. Last evaluated 2026-05-07.

Conditions:
Autosomal dominant nonsyndromic hearing loss 20. Identifiers: Orphanet 90635, MedGen C1858172, MONDO:0011480, OMIM 604717.
Baraitser-winter syndrome 2. Identifiers: Orphanet 2995, MedGen C3281235, MONDO:0013812, OMIM 614583.
ACTG1-related disorder. Also called: ACTG1-related disorders; ACTG1-related condition.

Allele frequency attached by ClinVar (database versions not stated): gnomAD exomes 0.00021 and 0.00034; ExAC 0.00024; TOPMed 0.00029; gnomAD 0.00030 and 0.00031; 1000 Genomes Project 30x 0.00031; ESP Exome Variant Server 0.00038; 1000 Genomes Project 0.00040.

Submissions (5):

Women's Health and Genetics/Laboratory Corporation of America, LabCorp
Classification: Likely benign. Last evaluated: 2026-05-07. Review status: criteria provided, single submitter. Criteria: LabCorp Variant Classification Summary - May 2015. Collection method: clinical testing. Allele origin: germline.
Comment: Variant summary: ACTG1 c.180C>T alters a conserved nucleotide resulting in a synonymous change. Several computational tools predict a significant impact on normal splicing: Five predict the variant creates a 5' donor site. However, these predictions have yet to be confirmed by functional studies. The variant allele was found at a frequency of 0.00021 in 250994 control chromosomes. To our knowledge, no occurrence of c.180C>T in individuals affected with ACTG1-related conditions and no experimental evidence demonstrating its impact on protein function have been reported. ClinVar contains an entry for this variant (Variation ID: 387972). Based on the evidence outlined above, the variant was classified as likely benign.

Labcorp Genetics (formerly Invitae), Labcorp
Classification: Likely benign for Baraitser-winter syndrome 2; Autosomal dominant nonsyndromic hearing loss 20. Last evaluated: 2025-11-27. Review status: criteria provided, single submitter. Criteria: Invitae Variant Classification Sherloc (09022015). Collection method: clinical testing. Allele origin: germline.

Blueprint Genetics
Classification: Likely benign. Last evaluated: 2024-02-27. Review status: criteria provided, single submitter. Criteria: ACMG Guidelines, 2015. Collection method: clinical testing. Allele origin: germline.

GeneDx
Classification: Likely benign. Last evaluated: 2020-09-15. Review status: criteria provided, single submitter. Criteria: GeneDx Variant Classification Process June 2021. Collection method: clinical testing. Allele origin: germline. Affected: yes.

PreventionGenetics, part of Exact Sciences
Classification: Likely benign for ACTG1-related condition. Last evaluated: 2022-08-08. Review status: no assertion criteria provided. Collection method: clinical testing. Allele origin: germline. Not counted in ClinVar's aggregate classification.
Comment: This variant is classified as likely benign based on ACMG/AMP sequence variant interpretation guidelines (Richards et al. 2015 PMID: 25741868, with internal and published modifications).

NM_001614.5(ACTG1):c.180C>T (p.Ser60=)

Gene: ACTG1 (actin gamma 1; minus strand). Cytogenetic location: 17q25.3.
Variant type: single nucleotide variant.
Coding change: c.180C>T on transcript NM_001614.5 (MANE Select); coding-DNA position 180, C replaced by T.
Protein change: p.Ser60=; no amino-acid change (serine 60 retained).
Molecular consequence: synonymous variant. On other transcripts: non-coding transcript variant (1).
Genome position (GRCh38, 1-based): chr17:81,512,086, G>A on the plus strand (C>T on the coding strand, the complement: ACTG1 is on the minus strand). VCF-style: chr17-81512086-G-A. GRCh37 (hg19) VCF-style: chr17-79479112-G-A.
Other names: c.180C>T, p.Ser60= (NM_001199954.3).
Identifiers: ClinVar variation 387972 (VCV000387972.16), dbSNP rs144338558, ClinGen allele CA8836328.